The following is an entry in ClinVar:

ClinVar aggregate classification (germline): Pathogenic/Likely pathogenic. Review status: criteria provided, multiple submitters, no conflicts (2 of 4 stars). 2 submissions from 2 submitters: Pathogenic (1); Likely pathogenic (1). Last evaluated 2025-07-27.

Conditions:
Nance-Horan syndrome (NHS). Identifiers: Orphanet 627, MedGen C0796085, MONDO:0010545, OMIM 302350.
NHS-related disorder. Also called: NHS-related condition.

Submissions (2):

Labcorp Genetics (formerly Invitae), Labcorp
Classification: Pathogenic for Nance-Horan syndrome. Last evaluated: 2025-07-27. Review status: criteria provided, single submitter. Criteria: Invitae Variant Classification Sherloc (09022015). Collection method: clinical testing. Allele origin: germline.
Comment: This sequence change creates a premature translational stop signal (p.Gln80*) in the NHS gene. It is expected to result in an absent or disrupted protein product. Loss-of-function variants in NHS are known to be pathogenic (PMID: 14564667, 19414485). This variant is not present in population databases (gnomAD no frequency). This variant has not been reported in the literature in individuals affected with NHS-related conditions. For these reasons, this variant has been classified as Pathogenic.

Blueprint Genetics
Classification: Likely pathogenic for NHS-related disorders. Last evaluated: 2018-07-16. Review status: criteria provided, single submitter. Criteria: ACMG Guidelines, 2015. Collection method: clinical testing. Allele origin: germline. Affected: yes. Observed: 1 variant allele.

Literature cited by the submitters: PubMed 14564667 (cited by Labcorp Genetics (formerly Invitae), Labcorp); PubMed 19414485 (cited by Labcorp Genetics (formerly Invitae), Labcorp).

NM_001291867.2(NHS):c.238C>T (p.Gln80Ter)

Gene: NHS (NHS actin remodeling regulator; plus strand). Cytogenetic location: Xp22.2.
Variant type: single nucleotide variant.
Coding change: c.238C>T on transcript NM_001291867.2 (MANE Select); coding-DNA position 238, C replaced by T.
Protein change: p.Gln80Ter; replaces glutamine 80 with a stop codon.
Molecular consequence: nonsense.
Genome position (GRCh38, 1-based): chrX:17,375,995, C>T. VCF-style: chrX-17375995-C-T. GRCh37 (hg19) VCF-style: chrX-17394118-C-T.
Other names: c.238C>T, p.Gln80Ter (NM_198270.4); short protein forms Q80*.
Identifiers: ClinVar variation 4724077 (VCV004724077.2).